The following is an entry in ClinVar:

NM_145728.3(SYNM):c.*8A>G

Gene: SYNM (synemin; plus strand). Cytogenetic location: 15q26.3.
Variant type: single nucleotide variant.
Coding change: c.*8A>G on transcript NM_145728.3 (MANE Select); 8 bases downstream of the stop codon, A replaced by G.
Molecular consequence: 3 prime UTR variant.
Genome position (GRCh38, 1-based): chr15:99,133,066, A>G. VCF-style: chr15-99133066-A-G. GRCh37 (hg19) VCF-style: chr15-99673271-A-G.
Other names: c.*8A>G (NM_015286.6).
Identifiers: ClinVar variation 3046796 (VCV003046796.2), dbSNP rs371395139, ClinGen allele CA7754279.
Genomic context (GRCh38, chr15:99,133,066, plus strand): 5'-CCCTCCTCTATCTAGACAATGAGGAGGAGGAGAATGATGGGCATTGGTTTTAATAAGCAG[A>G]AACATTTTGTTTTAATGGCAGCCTGTTGGCGACGTGCCAACATCCAAAGGCCTTAACTTA-3'

ClinVar aggregate classification (germline): Likely benign (0 of 4 stars; one submission).

Conditions:
SYNM-related disorder. Also called: SYNM-related condition.

Allele frequency attached by ClinVar (database versions not stated): gnomAD exomes 0.00001; ExAC 0.00011; ESP Exome Variant Server 0.00017; gnomAD 0.00023; TOPMed 0.00023; 1000 Genomes Project 30x 0.00031; 1000 Genomes Project 0.00040.
gnomAD v4.1: 53 of 1,612,006 alleles (0.0033%); highest among the groups gnomAD compares: African/African-American, 0.069%; no homozygotes.

Submission:

PreventionGenetics, part of Exact Sciences
Classification: Likely benign for SYNM-related condition. Last evaluated: 2020-03-18. Review status: no assertion criteria provided. Collection method: clinical testing. Allele origin: germline.
Comment: This variant is classified as likely benign based on ACMG/AMP sequence variant interpretation guidelines (Richards et al. 2015 PMID: 25741868, with internal and published modifications).